The following is an entry in ClinVar:

NM_001387690.1(KATNAL2):c.425C>T (p.Ser142Leu)

Gene: KATNAL2 (katanin catalytic subunit A1 like 2; plus strand). Cytogenetic location: 18q21.1.
Variant type: single nucleotide variant.
Coding change: c.425C>T on transcript NM_001387690.1 (MANE Select); coding-DNA position 425, C replaced by T.
Protein change: p.Ser142Leu; replaces serine 142 with leucine.
Molecular consequence: missense variant. On other transcripts: non-coding transcript variant (1).
Genome position (GRCh38, 1-based): chr18:47,058,327, C>T. VCF-style: chr18-47058327-C-T. GRCh37 (hg19) VCF-style: chr18-44584698-C-T.
Other names: c.503C>T, p.Ser168Leu (NM_001353899.1, NM_001353902.1); c.500C>T, p.Ser167Leu (NM_001353900.1); c.425C>T, p.Ser142Leu (NM_001353901.1, NM_001367621.1); c.92C>T, p.Ser31Leu (NM_001353903.1, NM_001353904.1, NM_001353905.1 and 4 more transcripts); c.209C>T, p.Ser70Leu (NM_031303.3); short protein forms S142L, S167L, S168L, S31L, S70L.
Identifiers: ClinVar variation 3026127 (VCV003026127.22), dbSNP rs750377654, ClinGen allele CA8954940.

ClinVar aggregate classification (germline): Likely benign (1 of 4 stars; one submission).

Allele frequency attached by ClinVar (database versions not stated): gnomAD 0.00001; TOPMed 0.00002.
gnomAD v4.1: 90 of 1,613,064 alleles (0.0056%); highest among the groups gnomAD compares: Non-Finnish European, 0.0067%; no homozygotes.

Submission:

CeGaT Center for Human Genetics Tuebingen
Classification: Likely benign. Last evaluated: 2024-02-01. Review status: criteria provided, single submitter. Criteria: CeGaT Center For Human Genetics Tuebingen Variant Classification Criteria Version 2. Collection method: clinical testing. Allele origin: germline. Affected: yes. Observed: 1 variant allele.
Comment: KATNAL2: BS2